The following is an entry in ClinVar:

NM_152564.5(VPS13B):c.10772_10774del (p.Phe3591del)

Gene: VPS13B (vacuolar protein sorting 13 homolog B; plus strand). Cytogenetic location: 8q22.2.
Variant type: Deletion.
Coding change: c.10772_10774del on transcript NM_152564.5 (MANE Select); coding-DNA positions 10772 to 10774, 3 bases deleted (TCT; older notation c.10772_10774delTCT).
Protein change: p.Phe3591del; deletes phenylalanine 3591.
Molecular consequence: inframe deletion.
Genome position (GRCh38, 1-based): chr8:99,854,161-99,854,163, TCT deleted; deleting any 3 consecutive bases within chr8:99,854,159-99,854,163 gives the same sequence; the c. name uses the placement nearest the transcript's 3' end. VCF-style (leftmost placement, unchanged base first): chr8-99854158-CCTT-C. GRCh37 (hg19) VCF-style: chr8-100866386-CCTT-C.
Other names: c.10847_10849delTCT (NM_017890.4); c.10847_10849del, p.Phe3616del (NM_017890.5); c.10772_10774delTCT (NM_152564.4); short protein forms F3591del, F3616del.
Identifiers: ClinVar variation 559919 (VCV000559919.3), dbSNP rs1554581821, ClinGen allele CA658821916.

ClinVar aggregate classification (germline): Conflicting classifications of pathogenicity. Review status: criteria provided, conflicting classifications (1 of 4 stars). 3 submissions from 3 submitters: Likely pathogenic (1); Uncertain significance (2). Last evaluated 2025-06-03.

Conditions:
Cohen syndrome (COH1). Also called: PEPPER SYNDROME; Cutis verticis gyrata, retinitis pigmentosa, and sensorineural deafness. Identifiers: Orphanet 193, MedGen C0265223, MONDO:0008999, OMIM 216550.
VPS13B-related disorder. Also called: VPS13B-related condition.

Submissions (3):

Labcorp Genetics (formerly Invitae), Labcorp
Classification: Uncertain significance for Cohen syndrome. Last evaluated: 2025-06-03. Review status: criteria provided, single submitter. Criteria: Invitae Variant Classification Sherloc (09022015). Collection method: clinical testing. Allele origin: germline.
Comment: This variant, c.10847_10849del, results in the deletion of 1 amino acid(s) of the VPS13B protein (p.Phe3616del), but otherwise preserves the integrity of the reading frame. This variant is not present in population databases (gnomAD no frequency). This variant has not been reported in the literature in individuals affected with VPS13B-related conditions. ClinVar contains an entry for this variant (Variation ID: 559919). Experimental studies and prediction algorithms are not available or were not evaluated, and the functional significance of this variant is currently unknown. In summary, the available evidence is currently insufficient to determine the role of this variant in disease. Therefore, it has been classified as a Variant of Uncertain Significance.

PreventionGenetics, part of Exact Sciences
Classification: Uncertain significance for VPS13B-related condition. Last evaluated: 2025-05-16. Review status: criteria provided, single submitter. Criteria: ACMG Guidelines, 2015. Collection method: clinical testing. Allele origin: germline.
Comment: The VPS13B c.10772_10774delTCT variant is predicted to result in an in-frame deletion (p.Phe3591del). To our knowledge, this variant has not been reported in the literature or in a large population database (gnomAD), indicating this variant is rare. This variant is classified as likely pathogenic my a single submitter in ClinVar, but no clinical or functional evidence was provided to support this classification. At this time, the clinical significance of this variant is uncertain due to the absence of conclusive functional and genetic evidence.

Equipe Genetique des Anomalies du Developpement, Université de Bourgogne
Classification: Likely pathogenic for Cohen syndrome. Last evaluated: 2015-09-29. Review status: criteria provided, single submitter. Criteria: ACMG Guidelines, 2015. Collection method: clinical testing. Allele origin: unknown. Affected: yes. Study: Clinvar_gadteam_Clinical_exome_analysis_3.